The following is an entry in ClinVar:

ClinVar aggregate classification (germline): Benign/Likely benign. Review status: criteria provided, multiple submitters, no conflicts (2 of 4 stars). 3 submissions from 3 submitters: Benign (1); Likely benign (2). Last evaluated 2025-09-20.

Conditions:
Familial cancer of breast. Also called: BREAST CANCER, FAMILIAL; Hereditary breast cancer; hereditary breast carcinoma. Identifiers: Orphanet 227535, MedGen C0346153, MONDO:0016419, OMIM 114480. Disease mechanism: loss of function.

Allele frequency attached by ClinVar (database versions not stated): gnomAD exomes below 0.00001.
gnomAD v4.1: 1 of 1,614,046 alleles (0.000062%); highest among the groups gnomAD compares: Admixed American, 0.0017%; no homozygotes.

Submissions (3):

Labcorp Genetics (formerly Invitae), Labcorp
Classification: Likely benign for Familial cancer of breast. Last evaluated: 2025-09-20. Review status: criteria provided, single submitter. Criteria: Invitae Variant Classification Sherloc (09022015). Collection method: clinical testing. Allele origin: germline.

Myriad Genetics, Inc.
Classification: Benign for Familial cancer of breast. Last evaluated: 2025-01-22. Review status: criteria provided, single submitter. Criteria: Myriad Autosomal Dominant, Autosomal Recessive and X-Linked Classification Criteria (2023). Collection method: clinical testing. Allele origin: unknown.
Comment: This variant is considered benign. This variant is a silent/synonymous amino acid change and it is not expected to impact splicing.

GeneDx
Classification: Likely benign. Last evaluated: 2018-03-21. Review status: criteria provided, single submitter. Criteria: GeneDx Variant Classification (06012015). Collection method: clinical testing. Allele origin: germline. Affected: yes.
Comment: This variant is considered likely benign or benign based on one or more of the following criteria: it is a conservative change, it occurs at a poorly conserved position in the protein, it is predicted to be benign by multiple in silico algorithms, and/or has population frequency not consistent with disease.

NM_024675.4(PALB2):c.3312T>C (p.Gly1104=)

Gene: PALB2 (partner and localizer of BRCA2; minus strand). Cytogenetic location: 16p12.2.
Variant type: single nucleotide variant.
Coding change: c.3312T>C on transcript NM_024675.4 (MANE Select); coding-DNA position 3312, T replaced by C.
Protein change: p.Gly1104=; no amino-acid change (glycine 1104 retained).
Molecular consequence: synonymous variant.
Genome position (GRCh38, 1-based): chr16:23,607,902, A>G on the plus strand (T>C on the coding strand, the complement: PALB2 is on the minus strand). VCF-style: chr16-23607902-A-G. GRCh37 (hg19) VCF-style: chr16-23619223-A-G.
Identifiers: ClinVar variation 681024 (VCV000681024.3), dbSNP rs1199973644, ClinGen allele CA494175522.